The following is an entry in ClinVar:

NM_181783.4(TMTC3):c.1423G>C (p.Val475Leu)

Gene: TMTC3 (transmembrane O-mannosyltransferase targeting cadherins 3; plus strand). Cytogenetic location: 12q21.32.
Variant type: single nucleotide variant.
Coding change: c.1423G>C on transcript NM_181783.4 (MANE Select); coding-DNA position 1423, G replaced by C.
Protein change: p.Val475Leu; replaces valine 475 with leucine.
Molecular consequence: missense variant. On other transcripts: non-coding transcript variant (1).
Genome position (GRCh38, 1-based): chr12:88,176,310, G>C. VCF-style: chr12-88176310-G-C. GRCh37 (hg19) VCF-style: chr12-88570087-G-C.
Other names: c.1243G>C, p.Val415Leu (NM_001366574.1); c.1204G>C, p.Val402Leu (NM_001366579.1); c.1156G>C, p.Val386Leu (NM_001366580.1); c.730G>C, p.Val244Leu (NM_001366583.1); short protein forms V386L, V475L, V244L, V402L, V415L.
Identifiers: ClinVar variation 3676136 (VCV003676136.2).

ClinVar aggregate classification (germline): Uncertain significance (1 of 4 stars; one submission).

Submission:

Labcorp Genetics (formerly Invitae), Labcorp
Classification: Uncertain significance. Last evaluated: 2024-12-19. Review status: criteria provided, single submitter. Criteria: Invitae Variant Classification Sherloc (09022015). Collection method: clinical testing. Allele origin: germline.
Comment: This sequence change replaces valine, which is neutral and non-polar, with leucine, which is neutral and non-polar, at codon 475 of the TMTC3 protein (p.Val475Leu). This variant is not present in population databases (gnomAD no frequency). This variant has not been reported in the literature in individuals affected with TMTC3-related conditions. An algorithm developed to predict the effect of missense changes on protein structure and function (PolyPhen-2) suggests that this variant is likely to be tolerated. In summary, the available evidence is currently insufficient to determine the role of this variant in disease. Therefore, it has been classified as a Variant of Uncertain Significance.